The following is an entry in ClinVar:

NM_005633.4(SOS1):c.*8T>C

Gene: SOS1 (SOS Ras/Rac guanine nucleotide exchange factor 1; minus strand). Cytogenetic location: 2p22.1.
Variant type: single nucleotide variant.
Coding change: c.*8T>C on transcript NM_005633.4 (MANE Select); 8 bases downstream of the stop codon, T replaced by C.
Molecular consequence: 3 prime UTR variant.
Genome position (GRCh38, 1-based): chr2:38,985,816, A>G on the plus strand (T>C on the coding strand, the complement: SOS1 is on the minus strand). VCF-style: chr2-38985816-A-G. GRCh37 (hg19) VCF-style: chr2-39212957-A-G.
Other names: c.*8T>C (NM_001382394.1, NM_001382395.1).
Identifiers: ClinVar variation 381752 (VCV000381752.1), dbSNP rs1057521160, ClinGen allele CA16604119.

ClinVar aggregate classification (germline): Likely benign (1 of 4 stars; one submission).

Submission:

GeneDx
Classification: Likely benign. Last evaluated: 2015-11-23. Review status: criteria provided, single submitter. Criteria: GeneDx Variant Classification (06012015). Collection method: clinical testing. Allele origin: germline. Affected: yes.
Comment: This variant is considered likely benign or benign based on one or more of the following criteria: it is a conservative change, it occurs at a poorly conserved position in the protein, it is predicted to be benign by multiple in silico algorithms, and/or has population frequency not consistent with disease.